The following is an entry in ClinVar:

ClinVar aggregate classification (germline): Uncertain significance. Review status: criteria provided, multiple submitters, no conflicts (2 of 4 stars). 5 submissions from 5 submitters: Uncertain significance (5). Last evaluated 2025-01-12.

Conditions:
Epidermolysis bullosa simplex 5B, with muscular dystrophy (EBS5B). Also called: EPIDERMOLYSIS BULLOSA SIMPLEX AND LIMB-GIRDLE MUSCULAR DYSTROPHY; Epidermolysis bullosa simplex with muscular dystrophy. Identifiers: Orphanet 257, MedGen C2931072, MONDO:0009181, OMIM 226670.
Epidermolysis bullosa simplex, Ogna type (EBS5A). Also called: EPIDERMOLYSIS BULLOSA SIMPLEX 5A, OGNA TYPE; Pidermolysis bullosa simplex 5A, Ogna type. Identifiers: Orphanet 79401, MedGen C0432317, MONDO:0007555, OMIM 131950.
Epidermolysis bullosa simplex 5C, with pyloric atresia (EBS5C). Also called: PLEC1-Related Epidermolysis Bullosa with Pyloric Atresia; PLEC-Related Epidermolysis Bullosa with Pyloric Atresia; Epidermolysis bullosa simplex with pyloric atresia. Identifiers: Orphanet 158684, MedGen C2677349, MONDO:0012807, OMIM 612138.
Epidermolysis bullosa simplex with nail dystrophy (EBS5D). Identifiers: MedGen C4225309, MONDO:0014661, OMIM 616487.
Autosomal recessive limb-girdle muscular dystrophy type 2Q (LGMDR17). Also called: MUSCULAR DYSTROPHY, LIMB-GIRDLE, AUTOSOMAL RECESSIVE 17. Identifiers: Orphanet 254361, MedGen C3150989, MONDO:0013390, OMIM 613723.
Inborn genetic diseases. Identifiers: MedGen C0950123, MeSH D030342.

Allele frequency attached by ClinVar (database versions not stated): TOPMed 0.00032; 1000 Genomes Project 0.00040; 1000 Genomes Project 30x 0.00062.
gnomAD v4.1: 90 of 1,613,172 alleles (0.0056%); highest among the groups gnomAD compares: African/African-American, 0.12%; no homozygotes.

Submissions (5):

Labcorp Genetics (formerly Invitae), Labcorp
Classification: Uncertain significance for Autosomal recessive limb-girdle muscular dystrophy type 2Q; Epidermolysis bullosa simplex, Ogna type; Epidermolysis bullosa simplex with nail dystrophy; Epidermolysis bullosa simplex 5C, with pyloric atresia; Epidermolysis bullosa simplex 5B, with muscular dystrophy. Last evaluated: 2025-01-12. Review status: criteria provided, single submitter. Criteria: Invitae Variant Classification Sherloc (09022015). Collection method: clinical testing. Allele origin: germline.
Comment: This sequence change replaces arginine, which is basic and polar, with leucine, which is neutral and non-polar, at codon 3694 of the PLEC protein (p.Arg3694Leu). This variant is present in population databases (rs369798520, gnomAD 0.1%). This variant has not been reported in the literature in individuals affected with PLEC-related conditions. ClinVar contains an entry for this variant (Variation ID: 449814). An algorithm developed to predict the effect of missense changes on protein structure and function (PolyPhen-2) suggests that this variant is likely to be disruptive. In summary, the available evidence is currently insufficient to determine the role of this variant in disease. Therefore, it has been classified as a Variant of Uncertain Significance.

Revvity Omics, Revvity
Classification: Uncertain significance. Last evaluated: 2022-08-08. Review status: criteria provided, single submitter. Criteria: ACMG Guidelines, 2015. Collection method: clinical testing. Allele origin: germline.

GeneDx
Classification: Uncertain significance. Last evaluated: 2022-05-02. Review status: criteria provided, single submitter. Criteria: GeneDx Variant Classification Process June 2021. Collection method: clinical testing. Allele origin: germline. Affected: yes.
Comment: In silico analysis supports that this missense variant has a deleterious effect on protein structure/function; Missense variant in a gene in which most reported pathogenic variants are truncating/loss of function; Has not been previously published as pathogenic or benign to our knowledge

Ambry Genetics
Classification: Uncertain significance for Inborn genetic diseases. Last evaluated: 2022-02-11. Review status: criteria provided, single submitter. Criteria: Ambry Variant Classification Scheme 2023. Collection method: clinical testing. Allele origin: germline.

Eurofins Ntd Llc (ga)
Classification: Uncertain significance. Last evaluated: 2017-01-04. Review status: criteria provided, single submitter. Criteria: EGL Classification Definitions 2015. Collection method: clinical testing. Allele origin: germline. Observed: 1 variant allele, 1 heterozygote.

NM_201384.3(PLEC):c.11000G>T (p.Arg3667Leu)

Gene: PLEC (plectin; minus strand). Cytogenetic location: 8q24.3.
Variant type: single nucleotide variant.
Coding change: c.11000G>T on transcript NM_201384.3 (MANE Select); coding-DNA position 11000, G replaced by T.
Protein change: p.Arg3667Leu; replaces arginine 3667 with leucine.
Molecular consequence: missense variant.
Genome position (GRCh38, 1-based): chr8:143,918,821, C>A on the plus strand (G>T on the coding strand, the complement: PLEC is on the minus strand). VCF-style: chr8-143918821-C-A. GRCh37 (hg19) VCF-style: chr8-144992989-C-A.
Other names: c.11081G>T, p.Arg3694Leu (NM_000445.5); c.10958G>T, p.Arg3653Leu (NM_201378.4); c.10934G>T, p.Arg3645Leu (NM_201379.3); c.11411G>T, p.Arg3804Leu (NM_201380.4); c.10904G>T, p.Arg3635Leu (NM_201381.3); c.11000G>T, p.Arg3667Leu (NM_201382.4); c.11012G>T, p.Arg3671Leu (NM_201383.3); short protein forms R3635L, R3645L, R3653L, R3667L, R3671L, R3694L, R3804L.
Identifiers: ClinVar variation 449814 (VCV000449814.16), dbSNP rs369798520, ClinGen allele CA4924465.